The following is an entry in ClinVar:

NC_000020.10:g.(?_57244327)_(57246373_?)del

Gene: STX16 (syntaxin 16; plus strand). Cytogenetic location: 20q13.32.
Variant type: Deletion.
Identifiers: ClinVar variation 2423450 (VCV002423450.4).

ClinVar aggregate classification (germline): Pathogenic (1 of 4 stars; one submission).

Submission:

Labcorp Genetics (formerly Invitae), Labcorp
Classification: Pathogenic. Last evaluated: 2024-01-07. Review status: criteria provided, single submitter. Criteria: Invitae Variant Classification Sherloc (09022015). Collection method: clinical testing. Allele origin: germline.
Comment: This variant is a gross deletion of the genomic region encompassing exon(s) 5-7 of the STX16 gene. This variant would be expected to be in-frame, preserving the integrity of the reading frame. A similar copy number variant has been observed in individual(s) with clinical features of pseudohypoparathyroidism type 1b (Invitae). In at least one individual the variant was observed to be de novo. Experimental studies and prediction algorithms are not available or were not evaluated, and the functional significance of this variant is currently unknown. For these reasons, this variant has been classified as Pathogenic.